The following is an entry in ClinVar:

ClinVar aggregate classification (germline): Uncertain significance (1 of 4 stars; one submission).

Conditions:
Autosomal dominant nonsyndromic hearing loss 1. Also called: DEAFNESS, AUTOSOMAL DOMINANT 1, WITH OR WITHOUT THROMBOCYTOPENIA; KONIGSMARK SYNDROME. Identifiers: Orphanet 90635, MedGen C1852282, MONDO:0007424, OMIM 124900.
Progressive microcephaly-seizures-cortical blindness-developmental delay syndrome. Also called: Seizures, cortical blindness, and microcephaly syndrome. Identifiers: Orphanet 477814, MedGen C5567650, MONDO:0014714, OMIM 616632.

gnomAD v4.1: 9 of 1,552,492 alleles (0.00058%); highest among the groups gnomAD compares: Admixed American, 0.002%; no homozygotes.

Submission:

Labcorp Genetics (formerly Invitae), Labcorp
Classification: Uncertain significance for Progressive microcephaly-seizures-cortical blindness-developmental delay syndrome; Autosomal dominant nonsyndromic hearing loss 1. Last evaluated: 2025-09-03. Review status: criteria provided, single submitter. Criteria: Invitae Variant Classification Sherloc (09022015). Collection method: clinical testing. Allele origin: germline.
Comment: This sequence change replaces proline, which is neutral and non-polar, with serine, which is neutral and polar, at codon 643 of the DIAPH1 protein (p.Pro643Ser). The frequency data for this variant in the population databases is considered unreliable, as metrics indicate poor data quality at this position in the gnomAD database. This variant has not been reported in the literature in individuals affected with DIAPH1-related conditions. ClinVar contains an entry for this variant (Variation ID: 1443072). An algorithm developed to predict the effect of missense changes on protein structure and function outputs the following: PolyPhen-2: "Not Available". The serine amino acid residue is found in multiple mammalian species, which suggests that this missense change does not adversely affect protein function. In summary, the available evidence is currently insufficient to determine the role of this variant in disease. Therefore, it has been classified as a Variant of Uncertain Significance.

NM_005219.5(DIAPH1):c.1927C>T (p.Pro643Ser)

Gene: DIAPH1 (diaphanous related formin 1; minus strand). Cytogenetic location: 5q31.3.
Variant type: single nucleotide variant.
Coding change: c.1927C>T on transcript NM_005219.5 (MANE Select); coding-DNA position 1927, C replaced by T.
Protein change: p.Pro643Ser; replaces proline 643 with serine.
Molecular consequence: missense variant.
Genome position (GRCh38, 1-based): chr5:141,573,923, G>A on the plus strand (C>T on the coding strand, the complement: DIAPH1 is on the minus strand). VCF-style: chr5-141573923-G-A. GRCh37 (hg19) VCF-style: chr5-140953490-G-A.
Other names: c.1900C>T, p.Pro634Ser (NM_001079812.3); c.1927C>T, p.Pro643Ser (NM_001314007.2); short protein forms P634S, P643S.
Identifiers: ClinVar variation 1443072 (VCV001443072.8), dbSNP rs768458531, ClinGen allele CA361519995.